The following is an entry in ClinVar:

NM_004390.5(CTSH):c.229+4C>G

Gene: CTSH (cathepsin H; minus strand). Cytogenetic location: 15q25.1.
Variant type: single nucleotide variant.
Coding change: c.229+4C>G on transcript NM_004390.5 (MANE Select); 4 bases into the intron after coding-DNA position 229, C replaced by G.
Molecular consequence: intron variant.
Genome position (GRCh38, 1-based): chr15:78,937,314, G>C on the plus strand (C>G on the coding strand, the complement: CTSH is on the minus strand). VCF-style: chr15-78937314-G-C. GRCh37 (hg19) VCF-style: chr15-79229656-G-C.
Other names: c.-709+4C>G (NM_001319137.2); c.115+4C>G (NM_001411095.1).
Identifiers: ClinVar variation 4979301 (VCV004979301.1).
Genomic context (GRCh38, chr15:78,937,314, plus strand): 5'-CCCTTTCATGGGCTGGGTCACTAACTGACATCCTTCCAGGAAGGAAGGAAGGCGTTCCAC[G>C]TACTTTTAAATGTGTGGTTCCCATTGTTGTGGGCGTTTATCTTCCTCCAGTTGCTGGCAA-3'

ClinVar aggregate classification (germline): Uncertain significance (1 of 4 stars; one submission).

Conditions:
CTSH-related disorder. Also called: CTSH-related condition.

gnomAD v4.1: 36 of 1,611,130 alleles (0.0022%); highest among the groups gnomAD compares: African/African-American, 0.04%; no homozygotes.

Submission:

PreventionGenetics, part of Exact Sciences
Classification: Uncertain significance for CTSH-related condition. Last evaluated: 2026-06-15. Review status: criteria provided, single submitter. Criteria: ACMG Guidelines, 2015. Collection method: clinical testing. Allele origin: germline.
Comment: The CTSH c.229+4C>G variant is predicted to interfere with splicing. This variant is not predicted to interfere with splicing based on available splicing prediction programs (SpliceAI, Jaganathan et al. 2019. PubMed ID: 30661751); however, the +4 position is part of the minimal donor splice region which is clinically relevant (Lord et al. 2019. PubMed ID: 30587507; Walker et al. 2023. PubMed ID: 37352859). To our knowledge, this variant has not been reported in the literature. This variant is reported in 0.044% of alleles in individuals of African descent in gnomAD. At this time, the clinical significance of this variant is uncertain due to the absence of conclusive functional and genetic evidence.